The following is an entry in ClinVar:

ClinVar aggregate classification (germline): Likely benign. Review status: criteria provided, multiple submitters, no conflicts (2 of 4 stars). 2 submissions from 2 submitters: Likely benign (2). Last evaluated 2024-09-09.

Allele frequency attached by ClinVar (database versions not stated): gnomAD 0.00003; TOPMed 0.00005.
gnomAD v4.1: 38 of 1,613,968 alleles (0.0024%); highest among the groups gnomAD compares: Admixed American, 0.0033%; no homozygotes.

Submissions (2):

Labcorp Genetics (formerly Invitae), Labcorp
Classification: Likely benign. Last evaluated: 2024-09-09. Review status: criteria provided, single submitter. Criteria: Invitae Variant Classification Sherloc (09022015). Collection method: clinical testing. Allele origin: germline.

CeGaT Center for Human Genetics Tuebingen
Classification: Likely benign. Last evaluated: 2022-08-01. Review status: criteria provided, single submitter. Criteria: CeGaT Center For Human Genetics Tuebingen Variant Classification Criteria Version 2. Collection method: clinical testing. Allele origin: germline. Affected: yes. Observed: 1 variant allele.
Comment: SCYL1: BP4, BP7

NM_020680.4(SCYL1):c.1632G>A (p.Pro544=)

Gene: SCYL1 (SCY1 like pseudokinase 1; plus strand). Cytogenetic location: 11q13.1.
Variant type: single nucleotide variant.
Coding change: c.1632G>A on transcript NM_020680.4 (MANE Select); coding-DNA position 1632, G replaced by A.
Protein change: p.Pro544=; no amino-acid change (proline 544 retained).
Molecular consequence: synonymous variant.
Genome position (GRCh38, 1-based): chr11:65,536,315, G>A. VCF-style: chr11-65536315-G-A. GRCh37 (hg19) VCF-style: chr11-65303786-G-A.
Other names: c.1632G>A, p.Pro544= (NM_001048218.2, NM_001411022.1).
Identifiers: ClinVar variation 1939517 (VCV001939517.29), dbSNP rs761069441, ClinGen allele CA6099869.